The following is an entry in ClinVar:

NM_001283009.2(RTEL1):c.3611A>C (p.Gln1204Pro)

Genes: RTEL1 (regulator of telomere elongation helicase 1; plus strand), RTEL1-TNFRSF6B (RTEL1-TNFRSF6B readthrough (NMD candidate); plus strand). Cytogenetic location: 20q13.33.
Variant type: single nucleotide variant.
Coding change: c.3611A>C on transcript NM_001283009.2 (MANE Select); coding-DNA position 3611, A replaced by C.
Protein change: p.Gln1204Pro; replaces glutamine 1204 with proline.
Molecular consequence: missense variant. On other transcripts: non-coding transcript variant (1).
Genome position (GRCh38, 1-based): chr20:63,695,439, A>C. VCF-style: chr20-63695439-A-C. GRCh37 (hg19) VCF-style: chr20-62326792-A-C.
Other names: c.2942A>C, p.Gln981Pro (NM_001283010.1); c.3611A>C, p.Gln1204Pro (NM_016434.4); c.3683A>C, p.Gln1228Pro (NM_032957.5); short protein forms Q1228P, Q981P, Q1204P.
Identifiers: ClinVar variation 5028480 (VCV005028480.1).

ClinVar aggregate classification (germline): Uncertain significance (1 of 4 stars; one submission).

Conditions:
Inborn genetic diseases. Identifiers: MedGen C0950123, MeSH D030342.

Submission:

Ambry Genetics
Classification: Uncertain significance for Inborn genetic diseases. Last evaluated: 2026-07-13. Review status: criteria provided, single submitter. Criteria: Ambry Variant Classification Scheme 2023. Collection method: clinical testing. Allele origin: germline.
Comment: The p.Q1204P variant (also known as c.3611A>C), located in coding exon 33 of the RTEL1 gene, results from an A to C substitution at nucleotide position 3611. The glutamine at codon 1204 is replaced by proline, an amino acid with similar properties. This amino acid position is conserved. In addition, this alteration is predicted to be tolerated by in silico analysis. Based on the available evidence, the clinical significance of this variant remains unclear.